The following is an entry in ClinVar:

ClinVar aggregate classification (germline): Uncertain significance/Uncertain risk allele. Review status: criteria provided, multiple submitters, no conflicts (2 of 4 stars). 10 submissions from 9 submitters: Uncertain significance (9); Uncertain risk allele (1). Last evaluated 2026-01-07.

Conditions:
WFS1-Related Spectrum Disorders.
WFS1-related disorder. Identifiers: MedGen CN379391, MONDO:0700293.
Autosomal dominant nonsyndromic hearing loss 6 (LFSNHL). Also called: Autosomal dominant nonsyndromic deafness 6; DEAFNESS, AUTOSOMAL DOMINANT 6; DEAFNESS, AUTOSOMAL DOMINANT 14; DEAFNESS, AUTOSOMAL DOMINANT 38. Identifiers: Orphanet 90635, MedGen C1833021, MONDO:0010963, OMIM 600965.
Type 2 diabetes mellitus. Also called: Type II diabetes mellitus. Identifiers: MedGen C0011860, MeSH D003924, MONDO:0005148, OMIM 125853, HP:0005978.
Wolfram-like syndrome. Also called: HEARING LOSS, PROGRESSIVE, WITH OPTIC ATROPHY AND/OR IMPAIRED GLUCOSE REGULATION. Identifiers: Orphanet 411590, MedGen C3280358, MONDO:0013673, OMIM 614296.
Cataract 41 (CTRCT41). Also called: CATARACT 41, CONGENITAL NUCLEAR TYPE. Identifiers: Orphanet 91492, Orphanet 98991, Orphanet 98992, Orphanet 98995, MedGen C3805412, MONDO:0007287, OMIM 116400.
Wolfram syndrome 1 (WFS1). Identifiers: Orphanet 3463, MedGen C4551693, MONDO:0009101, OMIM 222300.
Spastic ataxia. Identifiers: Orphanet 316226, MedGen C1849156, MONDO:0017845, HP:0002497.

Allele frequency attached by ClinVar (database versions not stated): TOPMed 0.00002; gnomAD 0.00010.

Submissions (10):

Labcorp Genetics (formerly Invitae), Labcorp
Classification: Uncertain significance. Last evaluated: 2026-01-07. Review status: criteria provided, single submitter. Criteria: Invitae Variant Classification Sherloc (09022015). Collection method: clinical testing. Allele origin: germline.
Comment: This sequence change replaces methionine, which is neutral and non-polar, with valine, which is neutral and non-polar, at codon 657 of the WFS1 protein (p.Met657Val). This variant is present in population databases (rs71532861, gnomAD 0.02%). This missense change has been observed in individual(s) with spinocerebellar ataxia (PMID: 34445196). ClinVar contains an entry for this variant (Variation ID: 215365). Invitae Evidence Modeling of protein sequence and biophysical properties (such as structural, functional, and spatial information, amino acid conservation, physicochemical variation, residue mobility, and thermodynamic stability) indicates that this missense variant is not expected to disrupt WFS1 protein function with a negative predictive value of 95%. In summary, the available evidence is currently insufficient to determine the role of this variant in disease. Therefore, it has been classified as a Variant of Uncertain Significance.

PreventionGenetics, part of Exact Sciences
Classification: Uncertain significance for WFS1-related condition. Last evaluated: 2025-09-09. Review status: criteria provided, single submitter. Criteria: ACMG Guidelines, 2015. Collection method: clinical testing. Allele origin: germline.
Comment: The WFS1 c.1969A>G variant is predicted to result in the amino acid substitution p.Met657Val. This variant has been reported in an individual with late onset spinocerebellar ataxia who also harbored a FA2H variant (Table S4, Galatolo et al. 2021. PubMed ID: 34445196). This variant is reported in 0.013% of alleles in individuals of South Asian descent in gnomAD. At this time, the clinical significance of this variant is uncertain due to the absence of conclusive functional and genetic evidence.

GeneDx
Classification: Uncertain significance. Last evaluated: 2024-08-06. Review status: criteria provided, single submitter. Criteria: GeneDx Variant Classification Process June 2021. Collection method: clinical testing. Allele origin: germline. Affected: yes.
Comment: Classified as a variant of uncertain significance and identified in an adult with late onset spastic ataxia (PMID: 34445196); In silico analysis supports that this missense variant does not alter protein structure/function; This variant is associated with the following publications: (PMID: 34445196)

Fulgent Genetics
Classification: Uncertain significance for Cataract 41; Type 2 diabetes mellitus; Wolfram syndrome 1; Autosomal dominant nonsyndromic hearing loss 6; Wolfram-like syndrome. Last evaluated: 2024-04-04. Review status: criteria provided, single submitter. Criteria: ACMG Guidelines, 2015. Collection method: clinical testing. Allele origin: germline.

Molecular Medicine for Neurodegenerative and Neuromuscular Diseases Unit, IRCCS Fondazione Stella Maris
Classification: Uncertain significance for Spastic ataxia. Last evaluated: 2021-01-04. Review status: criteria provided, single submitter. Criteria: ACMG Guidelines, 2015. Collection method: research. Allele origin: unknown. Affected: yes.

Genetic Services Laboratory, University of Chicago
Classification: Uncertain significance. Last evaluated: 2019-01-23. Review status: criteria provided, single submitter. Criteria: ACMG Guidelines, 2015. Collection method: clinical testing. Allele origin: germline. Affected: no.

Illumina Laboratory Services, Illumina
Classification: Uncertain significance for Autosomal dominant nonsyndromic hearing loss 6. Last evaluated: 2018-01-12. Review status: criteria provided, single submitter. Criteria: ICSL Variant Classification Criteria 13 December 2019. Collection method: clinical testing. Allele origin: germline.

Illumina Laboratory Services, Illumina
Classification: Uncertain significance for WFS1-Related Spectrum Disorders. Last evaluated: 2018-01-12. Review status: criteria provided, single submitter. Criteria: ICSL Variant Classification Criteria 13 December 2019. Collection method: clinical testing. Allele origin: germline.

Laboratory for Molecular Medicine, Mass General Brigham Personalized Medicine
Classification: Uncertain significance. Last evaluated: 2016-08-30. Review status: criteria provided, single submitter. Criteria: LMM Criteria. Collection method: clinical testing. Allele origin: germline. Observed: 2 variant alleles.
Comment: This frequency is not hig h enough to rule out a pathogenic role. Computational prediction tools and conse rvation analysis do not provide strong support for or against an impact to the p rotein. In summary, the clinical significance of the p.Met657Val variant is unce rtain.

Clinical Genomics, Uppaluri K&H Personalized Medicine Clinic
Classification: Uncertain risk allele for Wolfram syndrome 1. Review status: criteria provided, single submitter. Criteria: K & H Uppaluri Personalized Medicine Clinic Variant Classification & Assertion Criteria_Updated V.1. Collection method: research. Allele origin: unknown. Inheritance: Autosomal recessive inheritance.
Comment: Potent mutations in WFS1 gene are associated with Wolfram's syndrome, an autosomal recessive condition, which cause diabetes mellitus, diabetes insipidus, deafness and optic atrophy.However no sufficient evidence is found to ascertain the role of this particular variant rs71532861 in Wolfram's syndrome yet.

Literature cited by the submitters: PubMed 34445196 (cited by Labcorp Genetics (formerly Invitae), Labcorp); PubMed 17603484 (cited by Clinical Genomics, Uppaluri K&H Personalized Medicine Clinic); PubMed 20301750 (cited by Clinical Genomics, Uppaluri K&H Personalized Medicine Clinic); PubMed 18060660 (cited by Clinical Genomics, Uppaluri K&H Personalized Medicine Clinic); PubMed 12955714 (cited by Clinical Genomics, Uppaluri K&H Personalized Medicine Clinic); PubMed 33879153 (cited by Clinical Genomics, Uppaluri K&H Personalized Medicine Clinic); PubMed 20738327 (cited by Clinical Genomics, Uppaluri K&H Personalized Medicine Clinic).

NM_006005.3(WFS1):c.1969A>G (p.Met657Val)

Gene: WFS1 (wolframin ER transmembrane glycoprotein; plus strand). Cytogenetic location: 4p16.1.
Variant type: single nucleotide variant.
Coding change: c.1969A>G on transcript NM_006005.3 (MANE Select); coding-DNA position 1969, A replaced by G.
Protein change: p.Met657Val; replaces methionine 657 with valine.
Molecular consequence: missense variant.
Genome position (GRCh38, 1-based): chr4:6,301,764, A>G. VCF-style: chr4-6301764-A-G. GRCh37 (hg19) VCF-style: chr4-6303491-A-G.
Other names: c.1969A>G, p.Met657Val (NM_001145853.1); short protein forms M657V.
Identifiers: ClinVar variation 215365 (VCV000215365.26), dbSNP rs71532861, ClinGen allele CA320772.
Genomic context (GRCh38, chr4:6,301,764, plus strand): 5'-CTGGTGTGGCTCACGGCCATCGTGCTGTTCTGCTGGTTCTATGTGTACCGCTCAGAGGGC[A>G]TGAAGGTCTACAACTCCACACTGACCTGGCAGCAGTATGGTGCGCTGTGCGGGCCACGCG-3'
Protein context (NP_005996.2, residues 647-667): CWFYVYRSEG[Met657Val]KVYNSTLTWQ